The following is an entry in ClinVar:

NM_001009944.3(PKD1):c.2854-12T>G

Gene: PKD1 (polycystin 1, transient receptor potential channel interacting; minus strand). Cytogenetic location: 16p13.3.
Variant type: single nucleotide variant.
Coding change: c.2854-12T>G on transcript NM_001009944.3 (MANE Select); 12 bases into the intron before coding-DNA position 2854, T replaced by G.
Molecular consequence: intron variant.
Genome position (GRCh38, 1-based): chr16:2,113,304, A>C on the plus strand (T>G on the coding strand, the complement: PKD1 is on the minus strand). VCF-style: chr16-2113304-A-C. GRCh37 (hg19) VCF-style: chr16-2163305-A-C.
Other names: c.2854-12T>G (NM_000296.4).
Identifiers: ClinVar variation 1207519 (VCV001207519.3), dbSNP rs1446095876, ClinGen allele CA492973099.

ClinVar aggregate classification (germline): Uncertain significance (1 of 4 stars; one submission).

Allele frequency attached by ClinVar (database versions not stated): gnomAD exomes 0.00001; gnomAD 0.00006; TOPMed 0.00012; 1000 Genomes Project 30x 0.00031.
gnomAD v4.1: 28 of 1,595,098 alleles (0.0018%); highest among the groups gnomAD compares: Admixed American, 0.0067%; no homozygotes.

Submission:

GeneDx
Classification: Uncertain significance. Last evaluated: 2019-08-27. Review status: criteria provided, single submitter. Criteria: GeneDx Variant Classification Process June 2021. Collection method: clinical testing. Allele origin: germline. Affected: yes.
Comment: Not observed in large population cohorts (Lek et al., 2016); Has not been previously published as pathogenic or benign to our knowledge; In-silico analysis, which includes splice predictors and evolutionary conservation, is inconclusive as to whether the variant alters gene splicing. In the absence of RNA/functional studies, the actual effect of this sequence change is unknown.